The following is an entry in ClinVar:

NM_012144.4(DNAI1):c.1204G>A (p.Gly402Ser)

Gene: DNAI1 (dynein axonemal intermediate chain 1; plus strand). Cytogenetic location: 9p13.3.
Variant type: single nucleotide variant.
Coding change: c.1204G>A on transcript NM_012144.4 (MANE Select); coding-DNA position 1204, G replaced by A.
Protein change: p.Gly402Ser; replaces glycine 402 with serine.
Molecular consequence: missense variant.
Genome position (GRCh38, 1-based): chr9:34,506,767, G>A. VCF-style: chr9-34506767-G-A. GRCh37 (hg19) VCF-style: chr9-34506765-G-A.
Other names: c.1204G>A (NM_012144.2); c.1216G>A, p.Gly406Ser (NM_001281428.2); short protein forms G402S, G406S.
Identifiers: ClinVar variation 411841 (VCV000411841.17), dbSNP rs746647838, ClinGen allele CA5034319.

ClinVar aggregate classification (germline): Conflicting classifications of pathogenicity. Review status: criteria provided, conflicting classifications (1 of 4 stars). 5 submissions from 5 submitters: Pathogenic (1); Likely pathogenic (1); Uncertain significance (2). 1 of the submissions does not count toward it. Last evaluated 2025-09-17.

Conditions:
Kartagener syndrome (CILD1). Also called: Dextrocardia bronchiectasis and sinusitis; IMMOTILE CILIA SYNDROME; POLYNESIAN BRONCHIECTASIS; CILIARY DYSKINESIA, PRIMARY, 1; CILIARY DYSKINESIA, PRIMARY, 1, WITH OR WITHOUT SITUS INVERSUS; SIEWERT SYNDROME. Identifiers: Orphanet 244, MedGen C4551906, MONDO:0009484, OMIM 244400.
Primary ciliary dyskinesia. Also called: Ciliary dyskinesia. Identifiers: Orphanet 244, MedGen C0008780, MONDO:0016575, HP:0012265.

Allele frequency attached by ClinVar (database versions not stated): gnomAD exomes below 0.00001; ExAC 0.00002.
gnomAD v4.1: 4 of 1,614,180 alleles (0.00025%); highest among the groups gnomAD compares: Non-Finnish European, 0.00034%; no homozygotes.

Submissions (5):

Women's Health and Genetics/Laboratory Corporation of America, LabCorp
Classification: Uncertain significance. Last evaluated: 2025-09-17. Review status: criteria provided, single submitter. Criteria: LabCorp Variant Classification Summary - May 2015. Collection method: clinical testing. Allele origin: germline.
Comment: Variant summary: DNAI1 c.1204G>A (p.Gly402Ser) results in a non-conservative amino acid change in the encoded protein sequence. Algorithms developed to predict the effect of missense changes on protein structure and function all suggest that this variant is likely to be disruptive. The variant allele was found at a frequency of 4e-06 in 251282 control chromosomes (gnomAD). The available data on variant occurrences in the general population are insufficient to allow any conclusion about variant significance. These data do not allow any conclusion about variant significance. To our knowledge, no experimental evidence demonstrating an impact on protein function has been reported. ClinVar contains an entry for this variant (Variation ID: 411841). Based on the evidence outlined above, the variant was classified as uncertain significance.

Labcorp Genetics (formerly Invitae), Labcorp
Classification: Pathogenic for Primary ciliary dyskinesia. Last evaluated: 2025-01-15. Review status: criteria provided, single submitter. Criteria: Invitae Variant Classification Sherloc (09022015). Collection method: clinical testing. Allele origin: germline.
Comment: This sequence change replaces glycine, which is neutral and non-polar, with serine, which is neutral and polar, at codon 402 of the DNAI1 protein (p.Gly402Ser). This variant is present in population databases (rs746647838, gnomAD 0.002%). This missense change has been observed in individual(s) with primary ciliary dyskinesia (internal data). ClinVar contains an entry for this variant (Variation ID: 411841). Invitae Evidence Modeling of protein sequence and biophysical properties (such as structural, functional, and spatial information, amino acid conservation, physicochemical variation, residue mobility, and thermodynamic stability) indicates that this missense variant is expected to disrupt DNAI1 protein function with a positive predictive value of 95%. This variant disrupts the p.Gly402 amino acid residue in DNAI1. Other variant(s) that disrupt this residue have been determined to be pathogenic (internal data). This suggests that this residue is clinically significant, and that variants that disrupt this residue are likely to be disease-causing. For these reasons, this variant has been classified as Pathogenic.

Fulgent Genetics
Classification: Likely pathogenic for Kartagener syndrome. Last evaluated: 2024-05-01. Review status: criteria provided, single submitter. Criteria: ACMG Guidelines, 2015. Collection method: clinical testing. Allele origin: germline.

Ambry Genetics
Classification: Uncertain significance for Primary ciliary dyskinesia. Last evaluated: 2022-08-16. Review status: criteria provided, single submitter. Criteria: Ambry Variant Classification Scheme 2023. Collection method: clinical testing. Allele origin: germline.

Natera, Inc.
Classification: Uncertain significance for Primary ciliary dyskinesia. Last evaluated: 2021-07-09. Review status: no assertion criteria provided. Collection method: clinical testing. Allele origin: germline. Not counted in ClinVar's aggregate classification.